The following is an entry in ClinVar:

ClinVar aggregate classification (germline): Uncertain significance (1 of 4 stars; one submission).

Conditions:
Developmental and epileptic encephalopathy, 27 (DEE27). Also called: Epileptic encephalopathy, early infantile, 27; GRIN2B-Related Neurodevelopmental Disorder. Identifiers: Orphanet 3451, MedGen C4015316, MONDO:0014505, OMIM 616139.
Intellectual developmental disorder, autosomal dominant 6, with or without seizures. Also called: Intellectual disability, autosomal dominant 6; GRIN2B-related developmental delay, intellectual disability and autism spectrum disorder. Identifiers: Orphanet 589547, MedGen C3151411, MONDO:0013509, OMIM 613970.

Submission:

Labcorp Genetics (formerly Invitae), Labcorp
Classification: Uncertain significance for Developmental and epileptic encephalopathy, 27; Intellectual developmental disorder, autosomal dominant 6, with or without seizures. Last evaluated: 2025-12-26. Review status: criteria provided, single submitter. Criteria: Invitae Variant Classification Sherloc (09022015). Collection method: clinical testing. Allele origin: germline.
Comment: This sequence change replaces asparagine, which is neutral and polar, with lysine, which is basic and polar, at codon 1213 of the GRIN2B protein (p.Asn1213Lys). This variant is not present in population databases (gnomAD no frequency). This variant has not been reported in the literature in individuals affected with GRIN2B-related conditions. Invitae Evidence Modeling of protein sequence and biophysical properties (such as structural, functional, and spatial information, amino acid conservation, physicochemical variation, residue mobility, and thermodynamic stability) indicates that this missense variant is not expected to disrupt GRIN2B protein function with a negative predictive value of 95%. In summary, the available evidence is currently insufficient to determine the role of this variant in disease. Therefore, it has been classified as a Variant of Uncertain Significance.

NM_000834.5(GRIN2B):c.3639C>A (p.Asn1213Lys)

Gene: GRIN2B (glutamate ionotropic receptor NMDA type subunit 2B; minus strand). Cytogenetic location: 12p13.1.
Variant type: single nucleotide variant.
Coding change: c.3639C>A on transcript NM_000834.5 (MANE Select); coding-DNA position 3639, C replaced by A.
Protein change: p.Asn1213Lys; replaces asparagine 1213 with lysine.
Molecular consequence: missense variant.
Genome position (GRCh38, 1-based): chr12:13,563,599, G>T on the plus strand (C>A on the coding strand, the complement: GRIN2B is on the minus strand). VCF-style: chr12-13563599-G-T. GRCh37 (hg19) VCF-style: chr12-13716533-G-T.
Other names: c.3639C>A, p.Asn1213Lys (NM_001413992.1); short protein forms N1213K.
Identifiers: ClinVar variation 4782741 (VCV004782741.1).
Genomic context (GRCh38, chr12:13,563,599, plus strand): 5'-GTTCTGACCCGTCACCGTCGTGGAGTAGTTGTGCAGCTTGGAGGGACAGCTGCGGCAGAA[G>T]TTGCCCCCGGACCGGTCCTCCCACTCCACGTTGGTCAGGTTCTTCTCCCAAGGTGCAGGT-3'
Protein context (NP_000825.2, residues 1203-1223): NVEWEDRSGG[Asn1213Lys]FCRSCPSKLH